The following is an entry in ClinVar:

ClinVar aggregate classification (germline): Uncertain significance. Review status: criteria provided, multiple submitters, no conflicts (2 of 4 stars). 3 submissions from 3 submitters: Uncertain significance (3). Last evaluated 2025-06-18.

Conditions:
Hereditary cancer-predisposing syndrome. Also called: Neoplastic Syndromes, Hereditary; Tumor predisposition; Hereditary neoplastic syndrome; Hereditary Cancer Syndrome. Identifiers: Orphanet 140162, MedGen C0027672, MeSH D009386, MONDO:0015356.

Allele frequency attached by ClinVar (database versions not stated): gnomAD exomes below 0.00001; gnomAD 0.00001; TOPMed 0.00001.
gnomAD v4.1: 4 of 1,614,092 alleles (0.00025%); highest among the groups gnomAD compares: Non-Finnish European, 0.00034%; no homozygotes.

Submissions (3):

Labcorp Genetics (formerly Invitae), Labcorp
Classification: Uncertain significance. Last evaluated: 2025-06-18. Review status: criteria provided, single submitter. Criteria: Invitae Variant Classification Sherloc (09022015). Collection method: clinical testing. Allele origin: germline.
Comment: This sequence change replaces glycine, which is neutral and non-polar, with glutamic acid, which is acidic and polar, at codon 156 of the HOXB13 protein (p.Gly156Glu). This variant is present in population databases (no rsID available, gnomAD 0.007%). This variant has not been reported in the literature in individuals affected with HOXB13-related conditions. ClinVar contains an entry for this variant (Variation ID: 825090). Invitae Evidence Modeling of protein sequence and biophysical properties (such as structural, functional, and spatial information, amino acid conservation, physicochemical variation, residue mobility, and thermodynamic stability) indicates that this missense variant is not expected to disrupt HOXB13 protein function with a negative predictive value of 80%. In summary, the available evidence is currently insufficient to determine the role of this variant in disease. Therefore, it has been classified as a Variant of Uncertain Significance.

Ambry Genetics
Classification: Uncertain significance for Hereditary cancer-predisposing syndrome. Last evaluated: 2025-06-02. Review status: criteria provided, single submitter. Criteria: Ambry Variant Classification Scheme 2023. Collection method: clinical testing. Allele origin: germline.
Comment: The p.G156E variant (also known as c.467G>A), located in coding exon 1 of the HOXB13 gene, results from a G to A substitution at nucleotide position 467. The glycine at codon 156 is replaced by glutamic acid, an amino acid with similar properties. This amino acid position is highly conserved in available vertebrate species. In addition, this alteration is predicted to be deleterious by in silico analysis. Since supporting evidence is limited at this time, the clinical significance of this alteration remains unclear.

GeneDx
Classification: Uncertain significance. Last evaluated: 2019-12-24. Review status: criteria provided, single submitter. Criteria: GeneDx Variant Classification Process June 2021. Collection method: clinical testing. Allele origin: germline. Affected: yes.
Comment: Not observed at a significant frequency in large population cohorts (Lek 2016); In silico analysis, which includes protein predictors and evolutionary conservation, supports a deleterious effect; Has not been previously published as pathogenic or benign to our knowledge

NM_006361.6(HOXB13):c.467G>A (p.Gly156Glu)

Gene: HOXB13 (homeobox B13; minus strand). Cytogenetic location: 17q21.32.
Variant type: single nucleotide variant.
Coding change: c.467G>A on transcript NM_006361.6 (MANE Select); coding-DNA position 467, G replaced by A.
Protein change: p.Gly156Glu; replaces glycine 156 with glutamic acid.
Molecular consequence: missense variant.
Genome position (GRCh38, 1-based): chr17:48,728,127, C>T on the plus strand (G>A on the coding strand, the complement: HOXB13 is on the minus strand). VCF-style: chr17-48728127-C-T. GRCh37 (hg19) VCF-style: chr17-46805489-C-T.
Other names: short protein forms G156E.
Identifiers: ClinVar variation 825090 (VCV000825090.17), dbSNP rs1427616006, ClinGen allele CA400107397.